The following is an entry in ClinVar:

NM_005002.5(NDUFA9):c.677T>C (p.Ile226Thr)

Gene: NDUFA9 (NADH:ubiquinone oxidoreductase subunit A9; plus strand). Cytogenetic location: 12p13.32.
Variant type: single nucleotide variant.
Coding change: c.677T>C on transcript NM_005002.5 (MANE Select); coding-DNA position 677, T replaced by C.
Protein change: p.Ile226Thr; replaces isoleucine 226 with threonine.
Molecular consequence: missense variant.
Genome position (GRCh38, 1-based): chr12:4,668,478, T>C. VCF-style: chr12-4668478-T-C. GRCh37 (hg19) VCF-style: chr12-4777644-T-C.
Other names: short protein forms I226T.
Identifiers: ClinVar variation 1360729 (VCV001360729.8), dbSNP rs758519893, ClinGen allele CA6398201.

ClinVar aggregate classification (germline): Uncertain significance (1 of 4 stars; one submission).

Allele frequency attached by ClinVar (database versions not stated): gnomAD exomes below 0.00001; ExAC 0.00001.

Submission:

Labcorp Genetics (formerly Invitae), Labcorp
Classification: Uncertain significance. Last evaluated: 2022-06-27. Review status: criteria provided, single submitter. Criteria: Invitae Variant Classification Sherloc (09022015). Collection method: clinical testing. Allele origin: germline.
Comment: In summary, the available evidence is currently insufficient to determine the role of this variant in disease. Therefore, it has been classified as a Variant of Uncertain Significance. Algorithms developed to predict the effect of missense changes on protein structure and function output the following: SIFT: "Tolerated"; PolyPhen-2: "Benign"; Align-GVGD: "Class C0". The threonine amino acid residue is found in multiple mammalian species, which suggests that this missense change does not adversely affect protein function. This variant has not been reported in the literature in individuals affected with NDUFA9-related conditions. This variant is present in population databases (rs758519893, gnomAD 0.0009%). This sequence change replaces isoleucine, which is neutral and non-polar, with threonine, which is neutral and polar, at codon 226 of the NDUFA9 protein (p.Ile226Thr).